The following is an entry in ClinVar:

ClinVar aggregate classification (germline): Benign/Likely benign. Review status: criteria provided, multiple submitters, no conflicts (2 of 4 stars). 14 submissions from 14 submitters: Benign (9); Likely benign (2). 3 of the submissions do not count toward it. Last evaluated 2026-08-13.

Conditions:
TSC2-related disorder. Also called: TSC2-related condition; TSC2-Related Disorders.
Hereditary cancer-predisposing syndrome. Also called: Hereditary Cancer Syndrome; Tumor predisposition; Neoplastic Syndromes, Hereditary; Hereditary neoplastic syndrome. Identifiers: Orphanet 140162, MedGen C0027672, MeSH D009386, MONDO:0015356.
Tuberous sclerosis syndrome (TSC). Also called: Tuberous Sclerosis Complex; Tuberous sclerosis. Identifiers: Orphanet 805, MedGen C0041341, MONDO:0001734.
Tuberous sclerosis 2 (TSC2). Identifiers: Orphanet 805, MedGen C1860707, MONDO:0013199, OMIM 613254.

Allele frequency attached by ClinVar (database versions not stated): TOPMed 0.00003; 1000 Genomes Project 30x 0.00047; 1000 Genomes Project 0.00060.
gnomAD v4.1: 357 of 1,612,026 alleles (0.022%); highest among the groups gnomAD compares: South Asian, 0.38%; 6 homozygotes.

Submissions (14):

Cambridge Genomics Laboratory, East Genomic Laboratory Hub, NHS Genomic Medicine Service
Classification: Benign for Tuberous sclerosis. Last evaluated: 2026-08-13. Review status: criteria provided, single submitter. Criteria: ACGS Best Practice Guidelines for Variant Classification in Rare Disease 2020. Collection method: clinical testing. Allele origin: germline. Affected: yes.

CeGaT Center for Human Genetics Tuebingen
Classification: Benign. Last evaluated: 2026-06-01. Review status: criteria provided, single submitter. Criteria: CeGaT Center For Human Genetics Tuebingen Variant Classification Criteria Version 2. Collection method: clinical testing. Allele origin: germline. Affected: yes. Observed: 2 variant alleles.
Comment: TSC2: BS1, BS2

Myriad Genetics, Inc.
Classification: Benign for Tuberous sclerosis 2. Last evaluated: 2026-04-07. Review status: criteria provided, single submitter. Criteria: Myriad Autosomal Dominant, Autosomal Recessive and X-Linked Classification Criteria (2023). Collection method: clinical testing. Allele origin: unknown.
Comment: This variant is considered benign. This variant has been observed at a population frequency that is significantly greater than expected given the associated disease prevalence and penetrance. Homozygosity has been confirmed in one or more individuals. As homozygosity for pathogenic variants in this gene is generally assumed to result in embryonic lethality, this variant is unlikely to be pathogenic.

Labcorp Genetics (formerly Invitae), Labcorp
Classification: Benign for Tuberous sclerosis 2. Last evaluated: 2026-01-16. Review status: criteria provided, single submitter. Criteria: Invitae Variant Classification Sherloc (09022015). Collection method: clinical testing. Allele origin: germline.

Blueprint Genetics
Classification: Likely benign. Last evaluated: 2024-11-18. Review status: criteria provided, single submitter. Criteria: ACMG Guidelines, 2015. Collection method: clinical testing. Allele origin: germline.

Color Diagnostics, LLC DBA Color Health
Classification: Benign for Tuberous sclerosis syndrome. Last evaluated: 2022-08-31. Review status: criteria provided, single submitter. Criteria: ACMG Guidelines, 2015. Collection method: clinical testing. Allele origin: germline.

Quest Diagnostics Nichols Institute San Juan Capistrano
Classification: Benign. Last evaluated: 2022-02-11. Review status: criteria provided, single submitter. Criteria: Quest Diagnostics criteria. Collection method: clinical testing. Allele origin: unknown.

Genome-Nilou Lab
Classification: Benign for Tuberous sclerosis 2. Last evaluated: 2021-11-07. Review status: criteria provided, single submitter. Criteria: ACMG Guidelines, 2015. Collection method: clinical testing. Allele origin: germline. Affected: no.

Sema4
Classification: Likely benign for Hereditary cancer-predisposing syndrome. Last evaluated: 2021-07-13. Review status: criteria provided, single submitter. Criteria: Sema4 Curation Guidelines. Collection method: curation. Allele origin: germline.

GeneDx
Classification: Benign. Last evaluated: 2021-02-15. Review status: criteria provided, single submitter. Criteria: GeneDx Variant Classification Process June 2021. Collection method: clinical testing. Allele origin: germline. Affected: yes.
Comment: This variant is associated with the following publications: (PMID: 24728327, 15595939, 28991257)

Ambry Genetics
Classification: Benign for Hereditary cancer-predisposing syndrome. Last evaluated: 2016-07-08. Review status: criteria provided, single submitter. Criteria: Ambry Variant Classification Scheme 2023. Collection method: clinical testing. Allele origin: germline.

PreventionGenetics, part of Exact Sciences
Classification: Benign for TSC2-related condition. Last evaluated: 2020-09-15. Review status: no assertion criteria provided. Collection method: clinical testing. Allele origin: germline. Not counted in ClinVar's aggregate classification.
Comment: This variant is classified as benign based on ACMG/AMP sequence variant interpretation guidelines (Richards et al. 2015 PMID: 25741868, with internal and published modifications).

ITMI
No classification provided. Condition: AllHighlyPenetrant. Last evaluated: 2013-09-19. Review status: no classification provided. Collection method: reference population. Allele origin: germline. Not counted in ClinVar's aggregate classification.
Comment: Please see associated publication for description of ethnicities

Tuberous sclerosis database (TSC2)
No classification provided. Condition: TSC. Review status: no classification provided. Criteria: Tuberous Sclerosis Database Assertion Criteria 2015. Collection method: curation. Allele origin: germline. Affected: yes. Not counted in ClinVar's aggregate classification.

Literature cited by the submitters: PubMed 28991257 (cited by Quest Diagnostics Nichols Institute San Juan Capistrano); PubMed 15595939 (cited by Quest Diagnostics Nichols Institute San Juan Capistrano and Ambry Genetics); PubMed 24728327 (cited by ITMI).

NM_000548.5(TSC2):c.5017G>C (p.Val1673Leu)

Gene: TSC2 (TSC complex subunit 2; plus strand). Cytogenetic location: 16p13.3.
Variant type: single nucleotide variant.
Coding change: c.5017G>C on transcript NM_000548.5 (MANE Select); coding-DNA position 5017, G replaced by C.
Protein change: p.Val1673Leu; replaces valine 1673 with leucine.
Molecular consequence: missense variant.
Genome position (GRCh38, 1-based): chr16:2,087,890, G>C. VCF-style: chr16-2087890-G-C. GRCh37 (hg19) VCF-style: chr16-2137891-G-C.
Other names: p.V1673L:GTC>CTC; c.4816G>C, p.Val1606Leu (NM_001077183.3); c.4948G>C, p.Val1650Leu (NM_001114382.3); c.4708G>C, p.Val1570Leu (NM_001318827.2); c.4672G>C, p.Val1558Leu (NM_001318829.2); c.4285G>C, p.Val1429Leu (NM_001318831.2); c.4849G>C, p.Val1617Leu (NM_001318832.2); c.4819G>C, p.Val1607Leu (NM_001363528.2); and 3 more; short protein forms V1673L, V1429L, V1617L, V1558L, V1570L, V1607L, V1629L, V1650L.
Identifiers: ClinVar variation 49495 (VCV000049495.32), dbSNP rs45490993, ClinGen allele CA021502.
Genomic context (GRCh38, chr16:2,087,890, plus strand): 5'-GTGCGGGGATGACCCTTTCTCTTGTCCGGGCAGGGCCAGTTCAACTTTGTCCACGTGATC[G>C]TCACCCCGCTGGACTACGAGTGCAACCTGGTGTCCCTGCAGTGCAGGAAAGGTAGGGCCG-3'
Protein context (NP_000539.2, residues 1663-1683): KGQFNFVHVI[Val1673Leu]TPLDYECNLV